The following is an entry in ClinVar:

NM_001271.4(CHD2):c.5399A>G (p.Lys1800Arg)

Gene: CHD2 (chromodomain helicase DNA binding protein 2; plus strand). Cytogenetic location: 15q26.1.
Variant type: single nucleotide variant.
Coding change: c.5399A>G on transcript NM_001271.4 (MANE Select); coding-DNA position 5399, A replaced by G.
Protein change: p.Lys1800Arg; replaces lysine 1800 with arginine.
Molecular consequence: missense variant.
Genome position (GRCh38, 1-based): chr15:93,024,617, A>G. VCF-style: chr15-93024617-A-G. GRCh37 (hg19) VCF-style: chr15-93567847-A-G.
Other names: short protein forms K1800R.
Identifiers: ClinVar variation 1036645 (VCV001036645.9), dbSNP rs2054571292, ClinGen allele CA393908698.

ClinVar aggregate classification (germline): Uncertain significance (1 of 4 stars; one submission).

Conditions:
Developmental and epileptic encephalopathy 94 (DEE94). Also called: Epileptic encephalopathy, childhood-onset; CHD2-Related Neurodevelopmental Disorders. Identifiers: Orphanet 1942, Orphanet 2382, MedGen C3809278, MONDO:0014150, OMIM 615369.

gnomAD v4.1: 1 of 1,614,202 alleles (0.000062%); highest among the groups gnomAD compares: South Asian, 0.0011%; no homozygotes.

Submission:

Labcorp Genetics (formerly Invitae), Labcorp
Classification: Uncertain significance for Developmental and epileptic encephalopathy 94. Last evaluated: 2022-10-18. Review status: criteria provided, single submitter. Criteria: Invitae Variant Classification Sherloc (09022015). Collection method: clinical testing. Allele origin: germline.
Comment: This sequence change replaces lysine, which is basic and polar, with arginine, which is basic and polar, at codon 1800 of the CHD2 protein (p.Lys1800Arg). This variant is not present in population databases (gnomAD no frequency). This variant has not been reported in the literature in individuals affected with CHD2-related conditions. ClinVar contains an entry for this variant (Variation ID: 1036645). Advanced modeling of protein sequence and biophysical properties (such as structural, functional, and spatial information, amino acid conservation, physicochemical variation, residue mobility, and thermodynamic stability) performed at Invitae indicates that this missense variant is not expected to disrupt CHD2 protein function. In summary, the available evidence is currently insufficient to determine the role of this variant in disease. Therefore, it has been classified as a Variant of Uncertain Significance.